The following is an entry in ClinVar:

NM_005159.5(ACTC1):c.967G>A (p.Ala323Thr)

Genes: GJD2-DT (GJD2 divergent transcript; plus strand), ACTC1 (actin alpha cardiac muscle 1; minus strand). Cytogenetic location: 15q14.
Variant type: single nucleotide variant.
Coding change: c.967G>A on transcript NM_005159.5 (MANE Select); coding-DNA position 967, G replaced by A.
Protein change: p.Ala323Thr; replaces alanine 323 with threonine.
Molecular consequence: missense variant.
Genome position (GRCh38, 1-based): chr15:34,791,137, C>T on the plus strand (G>A on the coding strand, the complement: ACTC1 is on the minus strand). VCF-style: chr15-34791137-C-T. GRCh37 (hg19) VCF-style: chr15-35083338-C-T.
Other names: c.967G>A (NM_005159.4); short protein forms A323T.
Identifiers: ClinVar variation 1023541 (VCV001023541.9), dbSNP rs771011464, ClinGen allele CA043048.

ClinVar aggregate classification (germline): Uncertain significance. Review status: criteria provided, multiple submitters, no conflicts (2 of 4 stars). 4 submissions from 4 submitters: Uncertain significance (4). Last evaluated 2025-09-27.

Conditions:
Cardiovascular phenotype. Identifiers: MedGen CN230736.
Dilated cardiomyopathy 1R (CMD1R). Identifiers: Orphanet 154, Orphanet 54260, MedGen C3150681, MONDO:0013261, OMIM 613424.
Atrial septal defect 5 (ASD5). Identifiers: Orphanet 1478, MedGen C2748552, MONDO:0013011, OMIM 612794.
Hypertrophic cardiomyopathy 11. Also called: ACTC1-Related Familial Hypertrophic Cardiomyopathy. Identifiers: MedGen C2677506, MONDO:0012799, OMIM 612098.

Allele frequency attached by ClinVar (database versions not stated): gnomAD 0.00001; gnomAD exomes 0.00001; ExAC 0.00002.
gnomAD v4.1: 6 of 1,606,514 alleles (0.00037%); highest among the groups gnomAD compares: Non-Finnish European, 0.00051%; no homozygotes.

Submissions (4):

Labcorp Genetics (formerly Invitae), Labcorp
Classification: Uncertain significance for Dilated cardiomyopathy 1R; Hypertrophic cardiomyopathy 11; Atrial septal defect 5. Last evaluated: 2025-09-27. Review status: criteria provided, single submitter. Criteria: Invitae Variant Classification Sherloc (09022015). Collection method: clinical testing. Allele origin: germline.
Comment: This sequence change replaces alanine, which is neutral and non-polar, with threonine, which is neutral and polar, at codon 323 of the ACTC1 protein (p.Ala323Thr). This variant is present in population databases (rs771011464, gnomAD 0.003%). This variant has not been reported in the literature in individuals affected with ACTC1-related conditions. ClinVar contains an entry for this variant (Variation ID: 1023541). Invitae Evidence Modeling of protein sequence and biophysical properties (such as structural, functional, and spatial information, amino acid conservation, physicochemical variation, residue mobility, and thermodynamic stability) indicates that this missense variant is not expected to disrupt ACTC1 protein function with a negative predictive value of 80%. In summary, the available evidence is currently insufficient to determine the role of this variant in disease. Therefore, it has been classified as a Variant of Uncertain Significance.

Ambry Genetics
Classification: Uncertain significance for Cardiovascular phenotype. Last evaluated: 2025-09-24. Review status: criteria provided, single submitter. Criteria: Ambry Variant Classification Scheme 2023. Collection method: clinical testing. Allele origin: germline.
Comment: The p.A323T variant (also known as c.967G>A), located in coding exon 5 of the ACTC1 gene, results from a G to A substitution at nucleotide position 967. The alanine at codon 323 is replaced by threonine, an amino acid with similar properties. This amino acid position is highly conserved in available vertebrate species. In addition, this alteration is predicted to be deleterious by in silico analysis. Based on the available evidence, the clinical significance of this variant remains unclear.

Genetics and Molecular Pathology, SA Pathology
Classification: Uncertain significance for Hypertrophic cardiomyopathy 11. Last evaluated: 2022-09-14. Review status: criteria provided, single submitter. Criteria: ACMG Guidelines, 2015. Collection method: clinical testing. Allele origin: germline. Affected: yes.
Comment: The ACTC1 c.967G>A variant is classified as a VUS (PM2, PP3) The ACTC1 c.967G>A variant is a single nucleotide change in exon 6/7 of the ACTC1 gene, which is predicted to change the amino acid alanine at position 323 in the protein to threonine. The variant is rare in population databases (gnomAD allele frequency = 0.00065%; 1 het in 152044 sequenced alleles) (PM2). Computational predictions support a deleterious effect on the gene or gene product (PP3). The variant has been reported in dbSNP (rs771011464), is reported as Uncertain significance by other diagnostic laboratories (ClinVar #1023541) and is not reported in HGMD. Different changes to this same amino acid have been reported in HGMD and ClinVar (p.Ala323Val/Ser/Pro) as variants of uncertain significance.

Fulgent Genetics
Classification: Uncertain significance for Hypertrophic cardiomyopathy 11; Atrial septal defect 5; Dilated cardiomyopathy 1R. Last evaluated: 2021-08-18. Review status: criteria provided, single submitter. Criteria: ACMG Guidelines, 2015. Collection method: clinical testing. Allele origin: unknown.